The following is an entry in ClinVar:

NM_001370466.1(NOD2):c.2033C>T (p.Ala678Val)

Gene: NOD2 (nucleotide binding oligomerization domain containing 2; plus strand). Cytogenetic location: 16q12.1.
Variant type: single nucleotide variant.
Coding change: c.2033C>T on transcript NM_001370466.1 (MANE Select); coding-DNA position 2033, C replaced by T.
Protein change: p.Ala678Val; replaces alanine 678 with valine.
Molecular consequence: missense variant. On other transcripts: non-coding transcript variant (1).
Genome position (GRCh38, 1-based): chr16:50,712,025, C>T. VCF-style: chr16-50712025-C-T. GRCh37 (hg19) VCF-style: chr16-50745936-C-T.
Other names: c.2033C>T, p.Ala678Val (NM_001293557.2); c.2114C>T, p.Ala705Val (NM_022162.3); short protein forms A678V, A705V.
Identifiers: ClinVar variation 4792021 (VCV004792021.1).
Genomic context (GRCh38, chr16:50,712,025, plus strand): 5'-AGCACTGGGGCCTGCTGGCTGAGTGCCAGACATCTGAGAAGGCCCTGCTCCGGCGCCAGG[C>T]CTGTGCCCGCTGGTGTCTGGCCCGCAGCCTCCGCAAGCACTTCCACTCCATCCCGCCAGC-3'
Protein context (NP_001357395.1, residues 668-688): TSEKALLRRQ[Ala678Val]CARWCLARSL

ClinVar aggregate classification (germline): Uncertain significance (1 of 4 stars; one submission).

Conditions:
Regional enteritis. Also called: Enteritis, Granulomatous. Identifiers: MedGen C0678202, MeSH D003424.
Blau syndrome (BLAUS). Also called: ARTHROCUTANEOUVEAL GRANULOMATOSIS; GRANULOMATOSIS, FAMILIAL JUVENILE SYSTEMIC; GRANULOMATOSIS, FAMILIAL, BLAU TYPE; GRANULOMATOUS INFLAMMATORY ARTHRITIS, DERMATITIS, AND UVEITIS, FAMILIAL; JABS SYNDROME. Identifiers: Orphanet 90340, MedGen C5201146, MONDO:0008523, OMIM 186580.

gnomAD v4.1: 1 of 1,613,162 alleles (0.000062%); highest among the groups gnomAD compares: Non-Finnish European, 0.000085%; no homozygotes.

Submission:

Labcorp Genetics (formerly Invitae), Labcorp
Classification: Uncertain significance for Regional enteritis; Blau syndrome. Last evaluated: 2025-11-23. Review status: criteria provided, single submitter. Criteria: Invitae Variant Classification Sherloc (09022015). Collection method: clinical testing. Allele origin: germline.
Comment: This sequence change replaces alanine, which is neutral and non-polar, with valine, which is neutral and non-polar, at codon 705 of the NOD2 protein (p.Ala705Val). This variant is present in population databases (rs754726436, gnomAD 0.006%). This variant has not been reported in the literature in individuals affected with NOD2-related conditions. Invitae Evidence Modeling of protein sequence and biophysical properties (such as structural, functional, and spatial information, amino acid conservation, physicochemical variation, residue mobility, and thermodynamic stability) indicates that this missense variant is not expected to disrupt NOD2 protein function with a negative predictive value of 95%. In summary, the available evidence is currently insufficient to determine the role of this variant in disease. Therefore, it has been classified as a Variant of Uncertain Significance.